The following is an entry in ClinVar:

ClinVar aggregate classification (germline): Conflicting classifications of pathogenicity. Review status: criteria provided, conflicting classifications (1 of 4 stars). 8 submissions from 8 submitters: Uncertain significance (7); Likely benign (1). Last evaluated 2025-09-17.

Conditions:
Mismatch repair cancer syndrome 3. Identifiers: MedGen C5436807, MONDO:0030841, OMIM 619097.
Lynch syndrome 5 (LYNCH5). Also called: Colorectal cancer, hereditary nonpolyposis, type 5; Hereditary non-polyposis colorectal cancer, type 5. Identifiers: Orphanet 144, MedGen C1833477, MONDO:0013710, OMIM 614350. Disease mechanism: loss of function.
Endometrial carcinoma. Also called: Endometrial carcinoma, somatic. Identifiers: MedGen C0476089, MONDO:0002447, OMIM 608089, HP:0012114.
Hereditary nonpolyposis colorectal neoplasms. Identifiers: MedGen C0009405, MeSH D003123.
Hereditary cancer-predisposing syndrome. Also called: Neoplastic Syndromes, Hereditary; Hereditary Cancer Syndrome; Tumor predisposition; Hereditary neoplastic syndrome. Identifiers: Orphanet 140162, MedGen C0027672, MeSH D009386, MONDO:0015356.
Lynch syndrome. Identifiers: Orphanet 144, MedGen C4552100, MONDO:0005835. Disease mechanism: loss of function.

Allele frequency attached by ClinVar (database versions not stated): gnomAD exomes below 0.00001 and 0.00001; gnomAD 0.00001; TOPMed 0.00001; ExAC 0.00002.
gnomAD v4.1: 6 of 1,613,944 alleles (0.00037%); highest among the groups gnomAD compares: Non-Finnish European, 0.00051%; 1 homozygote.

Submissions (8):

Color Diagnostics, LLC DBA Color Health
Classification: Uncertain significance for Hereditary cancer-predisposing syndrome. Last evaluated: 2025-09-17. Review status: criteria provided, single submitter. Criteria: ACMG Guidelines, 2015. Collection method: clinical testing. Allele origin: germline.
Comment: This missense variant replaces glycine with arginine at codon 1105 of the MSH6 protein. Computational prediction suggests that this variant may have deleterious impact on protein structure and function. To our knowledge, functional studies have not been reported for this variant. This variant has not been reported in individuals affected with MSH6-related disorders in the literature. This variant has been identified in 3/282720 chromosomes in the general population by the Genome Aggregation Database (gnomAD). The available evidence is insufficient to determine the role of this variant in disease conclusively. Therefore, this variant is classified as a Variant of Uncertain Significance.

Labcorp Genetics (formerly Invitae), Labcorp
Classification: Likely benign for Hereditary nonpolyposis colorectal neoplasms. Last evaluated: 2025-07-16. Review status: criteria provided, single submitter. Criteria: Invitae Variant Classification Sherloc (09022015). Collection method: clinical testing. Allele origin: germline.

Ambry Genetics
Classification: Uncertain significance for Hereditary cancer-predisposing syndrome. Last evaluated: 2025-01-13. Review status: criteria provided, single submitter. Criteria: Ambry Variant Classification Scheme 2023. Collection method: clinical testing. Allele origin: germline.
Comment: The p.G1105R variant (also known as c.3313G>A), located in coding exon 5 of the MSH6 gene, results from a G to A substitution at nucleotide position 3313. The glycine at codon 1105 is replaced by arginine, an amino acid with dissimilar properties. This amino acid position is highly conserved in available vertebrate species. In addition, this alteration is predicted to be deleterious by in silico analysis. Since supporting evidence is limited at this time, the clinical significance of this alteration remains unclear.

Institute for Biomarker Research, Medical Diagnostic Laboratories, L.L.C.
Classification: Uncertain significance for Hereditary cancer-predisposing syndrome. Last evaluated: 2024-10-15. Review status: criteria provided, single submitter. Criteria: ACMG Guidelines, 2015. Collection method: clinical testing. Allele origin: germline.
Comment: The missense variant NM_000179.3(MSH6):c.3313G>A (p.Gly1105Arg) has not been reported previously as a pathogenic variant nor as a benign variant, to our knowledge. The p.Gly1105Arg variant is observed in 2/113,724 (0.0018%) alleles from individuals of gnomAD Non Finnish European background in gnomAD. The p.Gly1105Arg variant is novel (not in any individuals) in 1kG. There is a moderate physicochemical difference between glycine and arginine. The p.Gly1105Arg missense variant is predicted to be damaging by both SIFT and PolyPhen2. The glycine residue at codon 1105 of MSH6 is conserved in all mammalian species. The nucleotide c.3313 in MSH6 is predicted conserved by GERP++ and PhyloP across 100 vertebrates. For these reasons, this variant has been classified as Uncertain Significance

All of Us Research Program, National Institutes of Health
Classification: Uncertain significance for Lynch syndrome. Last evaluated: 2024-08-06. Review status: criteria provided, single submitter. Criteria: ACMG Guidelines, 2015. Collection method: clinical testing. Allele origin: germline. Inheritance: Autosomal dominant inheritance. Observed: 2 variant alleles, 2 heterozygotes.
Comment: This missense variant replaces glycine with arginine at codon 1105 of the MSH6 protein. Computational prediction tools and conservation analyses suggest that this variant may have deleterious impact on the protein function. Computational splicing tools suggest that this variant may not impact RNA splicing. To our knowledge, functional assays have not been performed for this variant nor has this variant been reported in individuals affected with hereditary cancer in the literature. This variant has been identified in 3/282720 chromosomes in the general population by the Genome Aggregation Database (gnomAD). Available evidence is insufficient to determine the role of this variant in disease conclusively. Therefore, this variant is classified as a Variant of Uncertain Significance.

This study involves interpretation of variants in research participants for the purpose of population health screening. Participant phenotype was not available at the time of variant classification. Additional details can be found in publication PMID: 35346344, PMCID: PMC8962531

GeneDx
Classification: Uncertain significance. Last evaluated: 2024-02-14. Review status: criteria provided, single submitter. Criteria: GeneDx Variant Classification Process June 2021. Collection method: clinical testing. Allele origin: germline. Affected: yes.
Comment: Not observed at significant frequency in large population cohorts (gnomAD); In silico analysis supports that this missense variant has a deleterious effect on protein structure/function; Observed in an individual with colorectal and breast cancer (PMID: 37460658); This variant is associated with the following publications: (PMID: 17531815, 21120944, 37460658)

CeGaT Center for Human Genetics Tuebingen
Classification: Uncertain significance. Last evaluated: 2023-10-01. Review status: criteria provided, single submitter. Criteria: CeGaT Center For Human Genetics Tuebingen Variant Classification Criteria Version 2. Collection method: clinical testing. Allele origin: germline. Affected: yes. Observed: 1 variant allele.
Comment: MSH6: PM2, PP3, BP1

Department of Pathology and Laboratory Medicine, Sinai Health System
Classification: Uncertain significance for Endometrial carcinoma; Lynch syndrome 5; Mismatch repair cancer syndrome 3. Last evaluated: 2022-02-24. Review status: criteria provided, single submitter. Criteria: ACMG Guidelines, 2015. Collection method: clinical testing. Allele origin: germline. Affected: no.

NM_000179.3(MSH6):c.3313G>A (p.Gly1105Arg)

Gene: MSH6 (mutS homolog 6; plus strand). Cytogenetic location: 2p16.3.
Variant type: single nucleotide variant.
Coding change: c.3313G>A on transcript NM_000179.3 (MANE Select); coding-DNA position 3313, G replaced by A.
Protein change: p.Gly1105Arg; replaces glycine 1105 with arginine.
Molecular consequence: missense variant.
Genome position (GRCh38, 1-based): chr2:47,803,560, G>A. VCF-style: chr2-47803560-G-A. GRCh37 (hg19) VCF-style: chr2-48030699-G-A.
Other names: c.2923G>A, p.Gly975Arg (NM_001281492.2); c.2407G>A, p.Gly803Arg (NM_001281493.2, NM_001281494.2); short protein forms G1105R, G803R, G975R.
Identifiers: ClinVar variation 230153 (VCV000230153.48), dbSNP rs755716475, ClinGen allele CA070646.
Genomic context (GRCh38, chr2:47,803,560, plus strand): 5'-ACCCCCCCCTTCTTAGAGCTTAAAGGATCACGCCATCCTTGCATTACGAAGACTTTTTTT[G>A]GAGATGATTTTATTCCTAATGACATTCTAATAGGCTGTGAGGAAGAGGAGCAGGAAAATG-3'
Protein context (NP_000170.1, residues 1095-1115): RHPCITKTFF[Gly1105Arg]DDFIPNDILI